The following is an entry in ClinVar:

ClinVar aggregate classification (germline): Uncertain significance (1 of 4 stars; one submission).

Conditions:
Glycogen storage disease, type V (GSD5). Also called: McArdle type glycogen storage disease; MCARDLE DISEASE; MUSCLE GLYCOGEN PHOSPHORYLASE DEFICIENCY; MYOPHOSPHORYLASE DEFICIENCY; PYGM DEFICIENCY. Identifiers: Orphanet 368, MedGen C0017924, MONDO:0009293, OMIM 232600.

Submission:

Labcorp Genetics (formerly Invitae), Labcorp
Classification: Uncertain significance for Glycogen storage disease, type V. Last evaluated: 2022-02-12. Review status: criteria provided, single submitter. Criteria: Invitae Variant Classification Sherloc (09022015). Collection method: clinical testing. Allele origin: germline.
Comment: This variant has not been reported in the literature in individuals affected with PYGM-related conditions. Algorithms developed to predict the effect of missense changes on protein structure and function output the following: SIFT: "Not Available"; PolyPhen-2: "Benign"; Align-GVGD: "Not Available". The serine amino acid residue is found in multiple mammalian species, which suggests that this missense change does not adversely affect protein function. In summary, the available evidence is currently insufficient to determine the role of this variant in disease. Therefore, it has been classified as a Variant of Uncertain Significance. This sequence change replaces threonine, which is neutral and polar, with serine, which is neutral and polar, at codon 210 of the PYGM protein (p.Thr210Ser). This variant is not present in population databases (gnomAD no frequency).

NM_005609.4(PYGM):c.628A>T (p.Thr210Ser)

Gene: PYGM (glycogen phosphorylase, muscle associated; minus strand). Cytogenetic location: 11q13.1.
Variant type: single nucleotide variant.
Coding change: c.628A>T on transcript NM_005609.4 (MANE Select); coding-DNA position 628, A replaced by T.
Protein change: p.Thr210Ser; replaces threonine 210 with serine.
Molecular consequence: missense variant.
Genome position (GRCh38, 1-based): chr11:64,757,811, T>A on the plus strand (A>T on the coding strand, the complement: PYGM is on the minus strand). VCF-style: chr11-64757811-T-A. GRCh37 (hg19) VCF-style: chr11-64525283-T-A.
Other names: c.364A>T, p.Thr122Ser (NM_001164716.1); short protein forms T122S, T210S.
Identifiers: ClinVar variation 2097241 (VCV002097241.4), dbSNP rs2496668403, ClinGen allele CA381107566.